The following is an entry in ClinVar:

NM_017841.4(SDHAF2):c.*456A>G

Gene: SDHAF2 (succinate dehydrogenase complex assembly factor 2; plus strand). Cytogenetic location: 11q12.2.
Variant type: single nucleotide variant.
Coding change: c.*456A>G on transcript NM_017841.4 (MANE Select); 456 bases downstream of the stop codon, A replaced by G.
Molecular consequence: 3 prime UTR variant.
Genome position (GRCh38, 1-based): chr11:61,446,527, A>G. VCF-style: chr11-61446527-A-G. GRCh37 (hg19) VCF-style: chr11-61213999-A-G.
Identifiers: ClinVar variation 305105 (VCV000305105.5), dbSNP rs6632, ClinGen allele CA10635118.

ClinVar aggregate classification (germline): Benign (1 of 4 stars; one submission).

Conditions:
Hereditary pheochromocytoma and paraganglioma. Also called: Hereditary Paraganglioma-Pheochromocytoma Syndromes; Hereditary paragangliomas and pheochromocytomas; Hereditary pheochromocytoma-paraganglioma. Identifiers: Orphanet 29072, MedGen C4274332, MONDO:0017366.

Allele frequency attached by ClinVar (database versions not stated): gnomAD exomes 0.01876; gnomAD 0.12268 and 0.13032; TOPMed 0.13530; 1000 Genomes Project 0.13818; 1000 Genomes Project 30x 0.14585.
gnomAD v4.1: 25,184 of 484,768 alleles (5.2%); highest among the groups gnomAD compares: African/African-American, 41%; 4,545 homozygotes.

Submission:

Illumina Laboratory Services, Illumina
Classification: Benign for Hereditary Paraganglioma-Pheochromocytoma Syndromes. Last evaluated: 2018-01-13. Review status: criteria provided, single submitter. Criteria: ICSL Variant Classification Criteria 13 December 2019. Collection method: clinical testing. Allele origin: germline.
Comment: This variant was observed in the ICSL laboratory as part of a predisposition screen in an ostensibly healthy population. It had not been previously curated by ICSL or reported in the Human Gene Mutation Database (HGMD: prior to June 1st, 2018), and was therefore a candidate for classification through an automated scoring system. Utilizing variant allele frequency, disease prevalence and penetrance estimates, and inheritance mode, an automated score was calculated to assess if this variant is too frequent to cause the disease. Based on the score and internal cut-off values, a variant classified as benign is not then subjected to further curation. The score for this variant resulted in a classification of benign for this disease.